The following is an entry in ClinVar:

ClinVar aggregate classification (germline): Pathogenic (1 of 4 stars; one submission).

Conditions:
Neurofibromatosis, type 1 (NF1). Also called: VON RECKLINGHAUSEN DISEASE; Peripheral type neurofibromatosis; NEUROFIBROMATOSIS, TYPE I, SOMATIC; Neurofibromatosis, type I. Identifiers: Orphanet 636, MedGen C0027831, MONDO:0018975, OMIM 162200. Disease mechanism: loss of function.

Submission:

Labcorp Genetics (formerly Invitae), Labcorp
Classification: Pathogenic for Neurofibromatosis, type 1. Last evaluated: 2021-03-27. Review status: criteria provided, single submitter. Criteria: Invitae Variant Classification Sherloc (09022015). Collection method: clinical testing. Allele origin: germline.
Comment: For these reasons, this variant has been classified as Pathogenic. This variant has not been reported in the literature in individuals with NF1-related conditions. This variant is not present in population databases (ExAC no frequency). This sequence change creates a premature translational stop signal (p.Thr467Lysfs*7) in the NF1 gene. It is expected to result in an absent or disrupted protein product. Loss-of-function variants in NF1 are known to be pathogenic (PMID: 10712197, 23913538).

Literature cited by the submitters: PubMed 10712197; PubMed 23913538.

NM_001042492.3(NF1):c.1399_1400insAA (p.Thr467fs)

Gene: NF1 (neurofibromin 1; plus strand). Cytogenetic location: 17q11.2.
Variant type: Insertion.
Coding change: c.1399_1400insAA on transcript NM_001042492.3 (MANE Select); coding-DNA positions 1399 to 1400, AA inserted.
Protein change: p.Thr467fs; shifts the reading frame from threonine 467.
Molecular consequence: frameshift variant.
Genome position: GRCh38 VCF-style: chr17-31214456-T-TAA. GRCh37 (hg19) VCF-style: chr17-29541474-T-TAA.
Other names: c.1399_1400insAA, p.Thr467Lysfs (NM_000267.4); c.1399_1400insAA, p.Thr467fs (NM_001128147.3); short protein forms T467fs.
Identifiers: ClinVar variation 1071943 (VCV001071943.5), dbSNP rs778963145, ClinGen allele CA2499223994.